The following is an entry in ClinVar:

NM_032806.6(POMGNT2):c.1568A>T (p.Glu523Val)

Gene: POMGNT2 (protein O-linked mannose N-acetylglucosaminyltransferase 2 (beta 1,4-); minus strand). Cytogenetic location: 3p22.1.
Variant type: single nucleotide variant.
Coding change: c.1568A>T on transcript NM_032806.6 (MANE Select); coding-DNA position 1568, A replaced by T.
Protein change: p.Glu523Val; replaces glutamic acid 523 with valine.
Molecular consequence: missense variant.
Genome position (GRCh38, 1-based): chr3:43,079,864, T>A on the plus strand (A>T on the coding strand, the complement: POMGNT2 is on the minus strand). VCF-style: chr3-43079864-T-A. GRCh37 (hg19) VCF-style: chr3-43121356-T-A.
Other names: short protein forms E523V.
Identifiers: ClinVar variation 1468814 (VCV001468814.6), dbSNP rs1207150912, ClinGen allele CA352299679.

ClinVar aggregate classification (germline): Uncertain significance (1 of 4 stars; one submission).

Conditions:
Muscular dystrophy-dystroglycanopathy (congenital with brain and eye anomalies), type a, 8 (MDDGA8). Also called: WALKER-WARBURG SYNDROME OR MUSCLE-EYE-BRAIN DISEASE, GTDC2-RELATED. Identifiers: Orphanet 899, MedGen C3553813, MONDO:0013904, OMIM 614830.

Allele frequency attached by ClinVar (database versions not stated): gnomAD exomes below 0.00001.
gnomAD v4.1: 2 of 1,614,188 alleles (0.00012%); highest among the groups gnomAD compares: Non-Finnish European, 0.00017%; no homozygotes.

Submission:

Labcorp Genetics (formerly Invitae), Labcorp
Classification: Uncertain significance for Muscular dystrophy-dystroglycanopathy (congenital with brain and eye anomalies), type a, 8. Last evaluated: 2022-08-23. Review status: criteria provided, single submitter. Criteria: Invitae Variant Classification Sherloc (09022015). Collection method: clinical testing. Allele origin: germline.
Comment: This sequence change replaces glutamic acid, which is acidic and polar, with valine, which is neutral and non-polar, at codon 523 of the POMGNT2 protein (p.Glu523Val). This variant is present in population databases (no rsID available, gnomAD 0.0009%). This variant has not been reported in the literature in individuals affected with POMGNT2-related conditions. ClinVar contains an entry for this variant (Variation ID: 1468814). Algorithms developed to predict the effect of missense changes on protein structure and function are either unavailable or do not agree on the potential impact of this missense change (SIFT: "Deleterious"; PolyPhen-2: "Benign"; Align-GVGD: "Class C65"). In summary, the available evidence is currently insufficient to determine the role of this variant in disease. Therefore, it has been classified as a Variant of Uncertain Significance.